The following is an entry in ClinVar:

NM_003118.4(SPARC):c.12G>T (p.Trp4Cys)

Gene: SPARC (secreted protein acidic and cysteine rich; minus strand). Cytogenetic location: 5q33.1.
Variant type: single nucleotide variant.
Coding change: c.12G>T on transcript NM_003118.4 (MANE Select); coding-DNA position 12, G replaced by T.
Protein change: p.Trp4Cys; replaces tryptophan 4 with cysteine.
Molecular consequence: missense variant.
Genome position (GRCh38, 1-based): chr5:151,676,177, C>A on the plus strand (G>T on the coding strand, the complement: SPARC is on the minus strand). VCF-style: chr5-151676177-C-A. GRCh37 (hg19) VCF-style: chr5-151055738-C-A.
Other names: c.12G>T, p.Trp4Cys (NM_001309443.2, NM_001309444.2); short protein forms W4C.
Identifiers: ClinVar variation 4527616 (VCV004527616.1).

ClinVar aggregate classification (germline): Uncertain significance (1 of 4 stars; one submission).

Submission:

GeneDx
Classification: Uncertain significance. Last evaluated: 2025-05-01. Review status: criteria provided, single submitter. Criteria: GeneDx Variant Classification Process June 2021. Collection method: clinical testing. Allele origin: germline. Affected: yes.
Comment: Not observed at significant frequency in large population cohorts (gnomAD); In silico analysis supports that this missense variant has a deleterious effect on protein structure/function; Has not been previously published as pathogenic or benign to our knowledge